The following is an entry in ClinVar:

NM_000020.3(ACVRL1):c.1033T>C (p.Cys345Arg)

Gene: ACVRL1 (activin A receptor like type 1; plus strand). Cytogenetic location: 12q13.13.
Variant type: single nucleotide variant.
Coding change: c.1033T>C on transcript NM_000020.3 (MANE Select); coding-DNA position 1033, T replaced by C.
Protein change: p.Cys345Arg; replaces cysteine 345 with arginine.
Molecular consequence: missense variant.
Genome position (GRCh38, 1-based): chr12:51,915,485, T>C. VCF-style: chr12-51915485-T-C. GRCh37 (hg19) VCF-style: chr12-52309269-T-C.
Other names: c.1033T>C, p.Cys345Arg (NM_001077401.2); short protein forms C345R.
Identifiers: ClinVar variation 411304 (VCV000411304.9), dbSNP rs1060503239, ClinGen allele CA16613827.

ClinVar aggregate classification (germline): Conflicting classifications of pathogenicity. Review status: criteria provided, conflicting classifications (1 of 4 stars). 2 submissions from 2 submitters: Pathogenic (1); Uncertain significance (1). Last evaluated 2024-08-12.

Conditions:
Telangiectasia, hereditary hemorrhagic, type 2 (HHT2). Also called: ACVRL1-Related Hereditary Hemorrhagic Telangiectasia; Telangiectasia, hereditary hemorrhagic, type II. Identifiers: Orphanet 774, MedGen C1838163, MONDO:0010880, OMIM 600376. Disease mechanism: loss of function.
Cardiovascular phenotype. Identifiers: MedGen CN230736.

Submissions (2):

Labcorp Genetics (formerly Invitae), Labcorp
Classification: Pathogenic for Telangiectasia, hereditary hemorrhagic, type 2. Last evaluated: 2024-08-12. Review status: criteria provided, single submitter. Criteria: Invitae Variant Classification Sherloc (09022015). Collection method: clinical testing. Allele origin: germline.
Comment: This sequence change replaces cysteine, which is neutral and slightly polar, with arginine, which is basic and polar, at codon 345 of the ACVRL1 protein (p.Cys345Arg). This variant is not present in population databases (gnomAD no frequency). This missense change has been observed in individual(s) with clinical features of hereditary hemorrhagic telangiectasia (Invitae; external communications). It has also been observed to segregate with disease in related individuals. ClinVar contains an entry for this variant (Variation ID: 411304). Advanced modeling of protein sequence and biophysical properties (such as structural, functional, and spatial information, amino acid conservation, physicochemical variation, residue mobility, and thermodynamic stability) performed at Invitae indicates that this missense variant is expected to disrupt ACVRL1 protein function with a positive predictive value of 95%. For these reasons, this variant has been classified as Pathogenic.

Ambry Genetics
Classification: Uncertain significance for Cardiovascular phenotype. Last evaluated: 2022-07-07. Review status: criteria provided, single submitter. Criteria: Ambry Variant Classification Scheme 2023. Collection method: clinical testing. Allele origin: germline.
Comment: The p.C345R variant (also known as c.1033T>C), located in coding exon 6 of the ACVRL1 gene, results from a T to C substitution at nucleotide position 1033. The cysteine at codon 345 is replaced by arginine, an amino acid with highly dissimilar properties. This amino acid position is highly conserved in available vertebrate species. In addition, this alteration is predicted to be deleterious by in silico analysis. Since supporting evidence is limited at this time, the clinical significance of this alteration remains unclear.